The following is an entry in ClinVar:

ClinVar aggregate classification (germline): Uncertain significance (1 of 4 stars; one submission).

Conditions:
Inborn genetic diseases. Identifiers: MedGen C0950123, MeSH D030342.

Submission:

Ambry Genetics
Classification: Uncertain significance for Inborn genetic diseases. Last evaluated: 2025-08-01. Review status: criteria provided, single submitter. Criteria: Ambry Variant Classification Scheme 2023. Collection method: clinical testing. Allele origin: germline.
Comment: The p.P156S variant (also known as c.466C>T), located in coding exon 2 of the KDM1A gene, results from a C to T substitution at nucleotide position 466. The proline at codon 156 is replaced by serine, an amino acid with similar properties. This amino acid position is conserved. In addition, this alteration is predicted to be tolerated by in silico analysis. Based on the available evidence, the clinical significance of this variant remains unclear.

NM_001009999.3(KDM1A):c.466C>T (p.Pro156Ser)

Gene: KDM1A (lysine demethylase 1A; plus strand). Cytogenetic location: 1p36.12.
Variant type: single nucleotide variant.
Coding change: c.466C>T on transcript NM_001009999.3 (MANE Select); coding-DNA position 466, C replaced by T.
Protein change: p.Pro156Ser; replaces proline 156 with serine.
Molecular consequence: missense variant.
Genome position (GRCh38, 1-based): chr1:23,030,583, C>T. VCF-style: chr1-23030583-C-T. GRCh37 (hg19) VCF-style: chr1-23357076-C-T.
Other names: c.466C>T, p.Pro156Ser (NM_001363654.2, NM_001410762.1, NM_001410763.1 and 1 more transcripts); short protein forms P156S.
Identifiers: ClinVar variation 4091084 (VCV004091084.1).